The following is an entry in ClinVar:

ClinVar aggregate classification (germline): Uncertain significance (1 of 4 stars; one submission).

Conditions:
Dilated cardiomyopathy 1J (CMD1J). Also called: CARDIOMYOPATHY, DILATED, WITH SENSORINEURAL HEARING LOSS, AUTOSOMAL DOMINANT. Identifiers: Orphanet 217622, MedGen C1854368, MONDO:0011541, OMIM 605362.

Submission:

Labcorp Genetics (formerly Invitae), Labcorp
Classification: Uncertain significance for Dilated cardiomyopathy 1J. Last evaluated: 2024-06-04. Review status: criteria provided, single submitter. Criteria: Invitae Variant Classification Sherloc (09022015). Collection method: clinical testing. Allele origin: germline.
Comment: This sequence change falls in intron 16 of the EYA4 gene. It does not directly change the encoded amino acid sequence of the EYA4 protein. This variant is not present in population databases (gnomAD no frequency). This variant has not been reported in the literature in individuals affected with EYA4-related conditions. ClinVar contains an entry for this variant (Variation ID: 1060158). Algorithms developed to predict the effect of sequence changes on RNA splicing suggest that this variant may disrupt the consensus splice site. In summary, the available evidence is currently insufficient to determine the role of this variant in disease. Therefore, it has been classified as a Variant of Uncertain Significance.

NM_004100.5(EYA4):c.1502-6T>C

Genes: TARID (TCF21 antisense RNA inducing promoter demethylation; minus strand), EYA4 (EYA transcriptional coactivator and phosphatase 4; plus strand). Cytogenetic location: 6q23.2.
Variant type: single nucleotide variant.
Coding change: c.1502-6T>C on transcript NM_004100.5 (MANE Select); 6 bases into the intron before coding-DNA position 1502, T replaced by C.
Molecular consequence: intron variant.
Genome position (GRCh38, 1-based): chr6:133,515,315, T>C. VCF-style: chr6-133515315-T-C. GRCh37 (hg19) VCF-style: chr6-133836453-T-C.
Other names: c.1520-6T>C (NM_001301013.2); c.1502-6T>C (NM_172105.4); c.1433-6T>C (NM_001370458.1, NM_172103.4); c.1358-6T>C (NM_001370459.1); c.1340-6T>C (NM_001301012.2).
Identifiers: ClinVar variation 1060158 (VCV001060158.9), dbSNP rs1583528465, ClinGen allele CA1665031343.